The following is an entry in ClinVar:

ClinVar aggregate classification (germline): Likely benign (0 of 4 stars; one submission).

Conditions:
PHIP-related disorder. Also called: PHIP-related condition; PHIP-related disorders.

Allele frequency attached by ClinVar (database versions not stated): ExAC 0.00001; gnomAD 0.00001; TOPMed 0.00001; gnomAD exomes 0.00007.
gnomAD v4.1: 96 of 1,559,534 alleles (0.0062%); highest among the groups gnomAD compares: Non-Finnish European, 0.0082%; no homozygotes.

Submission:

PreventionGenetics, part of Exact Sciences
Classification: Likely benign for PHIP-related condition. Last evaluated: 2021-08-03. Review status: no assertion criteria provided. Collection method: clinical testing. Allele origin: germline.
Comment: This variant is classified as likely benign based on ACMG/AMP sequence variant interpretation guidelines (Richards et al. 2015 PMID: 25741868, with internal and published modifications).

NM_017934.7(PHIP):c.3333T>C (p.Asp1111=)

Genes: IRAK1BP1 (interleukin 1 receptor associated kinase 1 binding protein 1; plus strand), PHIP (PHIP subunit of CUL4-Ring ligase complex; minus strand). Cytogenetic location: 6q14.1.
Variant type: single nucleotide variant.
Coding change: c.3333T>C on transcript NM_017934.7 (MANE Select); coding-DNA position 3333, T replaced by C.
Protein change: p.Asp1111=; no amino-acid change (aspartic acid 1111 retained).
Molecular consequence: synonymous variant.
Genome position (GRCh38, 1-based): chr6:78,965,749, A>G on the plus strand (T>C on the coding strand, the complement: PHIP is on the minus strand). VCF-style: chr6-78965749-A-G. GRCh37 (hg19) VCF-style: chr6-79675466-A-G.
Identifiers: ClinVar variation 3029282 (VCV003029282.2), dbSNP rs762928783, ClinGen allele CA3899723.